The following is an entry in ClinVar:

NM_000038.6(APC):c.8245T>A (p.Ser2749Thr)

Gene: APC (APC regulator of Wnt signaling pathway; plus strand). Cytogenetic location: 5q22.2.
Variant type: single nucleotide variant.
Coding change: c.8245T>A on transcript NM_000038.6 (MANE Select); coding-DNA position 8245, T replaced by A.
Protein change: p.Ser2749Thr; replaces serine 2749 with threonine.
Molecular consequence: missense variant.
Genome position (GRCh38, 1-based): chr5:112,843,839, T>A. VCF-style: chr5-112843839-T-A. GRCh37 (hg19) VCF-style: chr5-112179536-T-A.
Other names: c.8122T>A, p.Ser2708Thr (NM_001354900.2); c.8068T>A, p.Ser2690Thr (NM_001354901.2); c.7396T>A, p.Ser2466Thr (NM_001354906.2); c.7942T>A, p.Ser2648Thr (NM_001354903.2); c.7972T>A, p.Ser2658Thr (NM_001354902.2); c.7867T>A, p.Ser2623Thr (NM_001354904.2); c.7765T>A, p.Ser2589Thr (NM_001354905.2); c.8245T>A, p.Ser2749Thr (NM_001127510.3, NM_001354895.2); and 5 more; short protein forms S2731T, S2749T, S2623T, S2648T, S2690T, S2721T, S2767T, S2589T.
Identifiers: ClinVar variation 420277 (VCV000420277.24), dbSNP rs1064794391, ClinGen allele CA16039222.
Genomic context (GRCh38, chr5:112,843,839, plus strand): 5'-GATGCCCCTGACCAAAAAGGAACTGAGATAAAACCAGGACAAAATAATCCTGTCCCTGTA[T>A]CAGAGACTAATGAAAGTTCTATAGTGGAACGTACCCCATTCAGTTCTAGCAGCTCAAGCA-3'
Protein context (NP_000029.2, residues 2739-2759): KPGQNNPVPV[Ser2749Thr]ETNESSIVER

ClinVar aggregate classification (germline): Uncertain significance. Review status: criteria provided, multiple submitters, no conflicts (2 of 4 stars). 7 submissions from 7 submitters: Uncertain significance (7). Last evaluated 2025-12-08.

Conditions:
Classic or attenuated familial adenomatous polyposis. Identifiers: MedGen CN372698, MONDO:0021057.
Familial adenomatous polyposis 1 (FAP1). Also called: FAMILIAL ADENOMATOUS POLYPOSIS 1, ATTENUATED; POLYPOSIS, ADENOMATOUS INTESTINAL. Identifiers: MedGen C2713442, MONDO:0021056, OMIM 175100. Disease mechanism: loss of function.
Hereditary cancer-predisposing syndrome. Also called: Hereditary neoplastic syndrome; Tumor predisposition; Neoplastic Syndromes, Hereditary; Hereditary Cancer Syndrome. Identifiers: Orphanet 140162, MedGen C0027672, MeSH D009386, MONDO:0015356.

Allele frequency attached by ClinVar (database versions not stated): gnomAD exomes 0.00001.

Submissions (7):

Color Diagnostics, LLC DBA Color Health
Classification: Uncertain significance for Hereditary cancer-predisposing syndrome. Last evaluated: 2025-12-08. Review status: criteria provided, single submitter. Criteria: ACMG Guidelines, 2015. Collection method: clinical testing. Allele origin: germline.
Comment: This missense variant replaces serine with threonine at codon 2749 of the APC protein. Computational prediction suggests that this variant may not impact protein structure and function. To our knowledge, functional studies have not been reported for this variant. This variant has not been reported in individuals affected with APC-related disorders in the literature. This variant has not been identified in the general population by the Genome Aggregation Database (gnomAD). The available evidence is insufficient to determine the role of this variant in disease conclusively. Therefore, this variant is classified as a Variant of Uncertain Significance.

Labcorp Genetics (formerly Invitae), Labcorp
Classification: Uncertain significance for Familial adenomatous polyposis 1. Last evaluated: 2025-08-25. Review status: criteria provided, single submitter. Criteria: Invitae Variant Classification Sherloc (09022015). Collection method: clinical testing. Allele origin: germline.
Comment: This sequence change replaces serine, which is neutral and polar, with threonine, which is neutral and polar, at codon 2749 of the APC protein (p.Ser2749Thr). This variant is not present in population databases (gnomAD no frequency). This variant has not been reported in the literature in individuals affected with APC-related conditions. ClinVar contains an entry for this variant (Variation ID: 420277). Invitae Evidence Modeling of protein sequence and biophysical properties (such as structural, functional, and spatial information, amino acid conservation, physicochemical variation, residue mobility, and thermodynamic stability) indicates that this missense variant is not expected to disrupt APC protein function with a negative predictive value of 95%. In summary, the available evidence is currently insufficient to determine the role of this variant in disease. Therefore, it has been classified as a Variant of Uncertain Significance.

Center for Genomic Medicine, Rigshospitalet, Copenhagen University Hospital
Classification: Uncertain significance. Last evaluated: 2025-03-04. Review status: criteria provided, single submitter. Criteria: ACMG Guidelines, 2015. Collection method: clinical testing. Allele origin: germline.

All of Us Research Program, National Institutes of Health
Classification: Uncertain significance for Classic or attenuated familial adenomatous polyposis. Last evaluated: 2024-09-23. Review status: criteria provided, single submitter. Criteria: ACMG Guidelines, 2015. Collection method: clinical testing. Allele origin: germline. Inheritance: Autosomal dominant inheritance. Observed: 5 variant alleles, 5 heterozygotes.
Comment: This missense variant replaces serine with threonine at codon 2749 of the APC protein. Computational prediction is inconclusive regarding the impact of this variant on protein structure and function (internally defined REVEL score threshold 0.5 < inconclusive < 0.7, PMID: 27666373). To our knowledge, functional studies have not been reported for this variant. This variant has not been reported in individuals affected with hereditary cancer in the literature. This variant has not been identified in the general population by the Genome Aggregation Database (gnomAD). The available evidence is insufficient to determine the role of this variant in disease conclusively. Therefore, this variant is classified as a Variant of Uncertain Significance.

This study involves interpretation of variants in research participants for the purpose of population health screening. Participant phenotype was not available at the time of variant classification. Additional details can be found in publication PMID: 35346344, PMCID: PMC8962531

Ambry Genetics
Classification: Uncertain significance for Hereditary cancer-predisposing syndrome. Last evaluated: 2024-01-25. Review status: criteria provided, single submitter. Criteria: Ambry Variant Classification Scheme 2023. Collection method: clinical testing. Allele origin: germline.
Comment: The p.S2749T variant (also known as c.8245T>A), located in coding exon 15 of the APC gene, results from a T to A substitution at nucleotide position 8245. The serine at codon 2749 is replaced by threonine, an amino acid with similar properties. This amino acid position is poorly conserved in available vertebrate species. In addition, in silico predictors for this gene do not accurately predict pathogenicity. Since supporting evidence is limited at this time, the clinical significance of this alteration remains unclear.

Baylor Genetics
Classification: Uncertain significance for Familial adenomatous polyposis 1. Last evaluated: 2023-05-11. Review status: criteria provided, single submitter. Criteria: ACMG Guidelines, 2015. Collection method: clinical testing. Allele origin: unknown.

GeneDx
Classification: Uncertain significance. Last evaluated: 2016-08-24. Review status: criteria provided, single submitter. Criteria: GeneDx Variant Classification (06012015). Collection method: clinical testing. Allele origin: germline. Affected: yes.
Comment: This variant is denoted APC c.8245T>A at the cDNA level, p.Ser2749Thr (S2749T) at the protein level, and results in the change of a Serine to a Threonine (TCA>ACA). This variant has not, to our knowledge, been published in the literature as pathogenic or benign. APC Ser2749Thr was not observed in approximately 6,500 individuals of European and African American ancestry in the NHLBI Exome Sequencing Project, suggesting it is not a common benign variant in these populations. Since Serine and Threonine share similar properties, this is considered a conservative amino acid substitution. APC Ser2749Thr occurs at a position that is not conserved and is located in the EB1 binding domain (Azzopardi 2008). In silico analyses predict that this variant is unlikely to alter protein structure or function. Based on currently available evidence, it is unclear whether APC Ser2749Thr is a pathogenic or benign variant. We consider it to be a variant of uncertain significance.